The following is an entry in ClinVar:

ClinVar aggregate classification (germline): Likely benign (1 of 4 stars; one submission).

Conditions:
CFI-related disorder. Also called: CFI-related condition; CFI-related disorders. Identifiers: MedGen CN239325.

Submission:

Genomenon, Inc
Classification: Likely benign for CFI-related disorder. Last evaluated: 2026-09-17. Review status: criteria provided, single submitter. Criteria: Genomenon Sequence Variant Interpretation Standards - Updated. Collection method: curation. Allele origin: germline. Affected: no.
Comment: CFI c.904+110del is a deletion variant located in intron 7. This variant has been reported in the published literature (PMID:18374984). It is absent or not present at a significant frequency in gnomAD. This variant is not predicted to impact splicing. In conclusion, we classify CFI c.904+110del as a likely benign variant.

Literature cited by the submitters: PubMed 18374984.

NM_000204.5(CFI):c.904+110del

Gene: CFI (complement factor I; minus strand). Cytogenetic location: 4q25.
Variant type: Deletion.
Coding change: c.904+110del on transcript NM_000204.5 (MANE Select); 110 bases into the intron after coding-DNA position 904, one base deleted (T; older notation c.904+110delT).
Molecular consequence: intron variant.
Genome position (GRCh38, 1-based): chr4:109,757,653, A deleted on the plus strand (T on the coding strand, the reverse complement: CFI is on the minus strand); the first of 4 consecutive A bases (chr4:109,757,653-109,757,656); deleting any one gives the same sequence. VCF-style (leftmost placement, unchanged base first): chr4-109757652-TA-T. GRCh37 (hg19) VCF-style: chr4-110678808-TA-T.
Other names: c.883+2617del (NM_001375282.1, NM_001375280.1, NM_001375283.1 and 2 more transcripts); c.904+110del (NM_001375281.1, NM_001375279.1, NM_001440989.1); c.925+110del (NM_001440985.1, NM_001440986.1); c.928+110del (NM_001440988.1, NM_001375278.1, NM_001318057.2); c.295+110del (NM_001375284.1).
Identifiers: ClinVar variation 4280425 (VCV004280425.2).
Genomic context (GRCh38, chr4:109,757,652, plus strand): 5'-AGTTTATCACACTGAGAAAAGGCCTCTACGCCTAAACTAATGTTCAGGCTGGGTTATTAC[TA>T]AAATGTGGTCATATCATGCTCCATTAACAGTTACATTAAAATATAAGACCAAAGAACCTG-3'